The following is an entry in ClinVar:

ClinVar aggregate classification (germline): Likely benign. Review status: criteria provided, multiple submitters, no conflicts (2 of 4 stars). 6 submissions from 6 submitters: Likely benign (6). Last evaluated 2025-10-06.

Conditions:
Cardiovascular phenotype. Identifiers: MedGen CN230736.
Hypertrophic cardiomyopathy. Also called: HYPERTROPHIC MYOCARDIOPATHY. Identifiers: Orphanet 217569, MedGen C0007194, MeSH D002312, MONDO:0005045, HP:0001639.
Cardiomyopathy (CMYO). Also called: Cardiomyopathies. Identifiers: Orphanet 167848, MedGen C0878544, MONDO:0004994, HP:0001638. Inheritance: Various modes of inheritance.

Allele frequency attached by ClinVar (database versions not stated): gnomAD exomes 0.00002; TOPMed 0.00004; ExAC 0.00006; gnomAD 0.00006.
gnomAD v4.1: 20 of 1,593,176 alleles (0.0013%); highest among the groups gnomAD compares: East Asian, 0.0091%; no homozygotes.

Submissions (6):

Labcorp Genetics (formerly Invitae), Labcorp
Classification: Likely benign for Hypertrophic cardiomyopathy. Last evaluated: 2025-10-06. Review status: criteria provided, single submitter. Criteria: Invitae Variant Classification Sherloc (09022015). Collection method: clinical testing. Allele origin: germline.

All of Us Research Program, National Institutes of Health
Classification: Likely benign for Hypertrophic cardiomyopathy. Last evaluated: 2023-12-13. Review status: criteria provided, single submitter. Criteria: ACMG Guidelines, 2015. Collection method: clinical testing. Allele origin: germline. Inheritance: Autosomal dominant inheritance. Observed: 5 variant alleles, 5 heterozygotes.
Comment: This study involves interpretation of variants in research participants for the purpose of population health screening. Participant phenotype was not available at the time of variant classification. Additional details can be found in publication PMID: 35346344, PMCID: PMC8962531

Blueprint Genetics
Classification: Likely benign. Last evaluated: 2023-03-03. Review status: criteria provided, single submitter. Criteria: ACMG Guidelines, 2015. Collection method: clinical testing. Allele origin: germline.

Ambry Genetics
Classification: Likely benign for Cardiovascular phenotype. Last evaluated: 2020-06-29. Review status: criteria provided, single submitter. Criteria: Ambry Variant Classification Scheme 2023. Collection method: clinical testing. Allele origin: germline.

Color Diagnostics, LLC DBA Color Health
Classification: Likely benign for Cardiomyopathy. Last evaluated: 2019-04-26. Review status: criteria provided, single submitter. Criteria: ACMG Guidelines, 2015. Collection method: clinical testing. Allele origin: germline.

Laboratory for Molecular Medicine, Mass General Brigham Personalized Medicine
Classification: Likely benign. Last evaluated: 2016-05-06. Review status: criteria provided, single submitter. Criteria: LMM Criteria. Collection method: clinical testing. Allele origin: germline. Observed: 1 variant allele.
Comment: p.Asp605Asp in exon 19 of MYBPC3: This variant is not expected to have clinical significance because it does not alter an amino acid residue and is not located within the splice consensus sequence. It has been identified in 3/47758 all chro mosomes tested by the Exome Aggregation Consortium (ExAC; dbSNP rs768380030).

NM_000256.3(MYBPC3):c.1815C>T (p.Asp605=)

Gene: MYBPC3 (myosin binding protein C3; minus strand). Cytogenetic location: 11p11.2.
Variant type: single nucleotide variant.
Coding change: c.1815C>T on transcript NM_000256.3 (MANE Select); coding-DNA position 1815, C replaced by T.
Protein change: p.Asp605=; no amino-acid change (aspartic acid 605 retained).
Molecular consequence: synonymous variant.
Genome position (GRCh38, 1-based): chr11:47,341,220, G>A on the plus strand (C>T on the coding strand, the complement: MYBPC3 is on the minus strand). VCF-style: chr11-47341220-G-A. GRCh37 (hg19) VCF-style: chr11-47362771-G-A.
Identifiers: ClinVar variation 505027 (VCV000505027.18), dbSNP rs768380030, ClinGen allele CA078314.